The following is an entry in ClinVar:

NM_000642.3(AGL):c.4243A>T (p.Lys1415Ter)

Gene: AGL (amylo-alpha-1,6-glucosidase and 4-alpha-glucanotransferase; plus strand). Cytogenetic location: 1p21.2.
Variant type: single nucleotide variant.
Coding change: c.4243A>T on transcript NM_000642.3 (MANE Select); coding-DNA position 4243, A replaced by T.
Protein change: p.Lys1415Ter; replaces lysine 1415 with a stop codon.
Molecular consequence: nonsense.
Genome position (GRCh38, 1-based): chr1:99,915,470, A>T. VCF-style: chr1-99915470-A-T. GRCh37 (hg19) VCF-style: chr1-100381026-A-T.
Other names: c.4243A>T, p.Lys1415Ter (NM_000028.3, NM_000643.3, NM_000644.3 and 1 more transcripts); c.4195A>T, p.Lys1399Ter (NM_000646.3); c.4222A>T, p.Lys1408Ter (NM_001425326.1); c.4042A>T, p.Lys1348Ter (NM_001425327.1); c.4039A>T, p.Lys1347Ter (NM_001425328.1); c.3904A>T, p.Lys1302Ter (NM_001425329.1); c.3865A>T, p.Lys1289Ter (NM_001425332.1); short protein forms K1399*, K1415*, K1289*, K1302*, K1347*, K1348*, K1408*.
Identifiers: ClinVar variation 1724814 (VCV001724814.2), dbSNP rs1474659679, ClinGen allele CA341341437.
Genomic context (GRCh38, chr1:99,915,470, plus strand): 5'-GAAAAAGCATGGAAAGCTTTGGAGATTGCAGAAAAAAAATTGCTTGGTCCCCTTGGCATG[A>T]AAACTTTAGATCCAGAGTAAGTTGGAATATAAGTATTAAGAATGTTATCATATTTAATCC-3'

ClinVar aggregate classification (germline): Likely pathogenic (1 of 4 stars; one submission).

Conditions:
Glycogen storage disease type III (GSD3). Also called: FORBES DISEASE; Cori disease. Identifiers: Orphanet 366, MedGen C0017922, MONDO:0009291, OMIM 232400.

Submission:

Myriad Genetics, Inc.
Classification: Likely pathogenic for Glycogen storage disease type III. Last evaluated: 2022-02-28. Review status: criteria provided, single submitter. Criteria: Myriad Women's Health Autosomal Recessive and X-Linked Classification Criteria (2021). Collection method: clinical testing. Allele origin: unknown.
Comment: NM_000642.2(AGL):c.4243A>T(K1415*) is expected to be pathogenic in the context of glycogen storage disease type III. This variant is predicted to lead to an abnormal or absent protein product due to the creation of a premature termination codon in AGL, a gene where loss-of-function variants are known to be pathogenic. Please note: this variant was assessed in the context of healthy population screening.